The following is an entry in ClinVar:

ClinVar aggregate classification (germline): Uncertain significance (1 of 4 stars; one submission).

Allele frequency attached by ClinVar (database versions not stated): gnomAD 0.00001; gnomAD exomes 0.00001 and 0.00002; ExAC 0.00002; TOPMed 0.00002.

Submission:

Labcorp Genetics (formerly Invitae), Labcorp
Classification: Uncertain significance. Last evaluated: 2022-07-15. Review status: criteria provided, single submitter. Criteria: Invitae Variant Classification Sherloc (09022015). Collection method: clinical testing. Allele origin: germline.
Comment: This variant has not been reported in the literature in individuals affected with DNAJC21-related conditions. In summary, the available evidence is currently insufficient to determine the role of this variant in disease. Therefore, it has been classified as a Variant of Uncertain Significance. Algorithms developed to predict the effect of missense changes on protein structure and function output the following: SIFT: "Tolerated"; PolyPhen-2: "Benign"; Align-GVGD: "Class C0". The glycine amino acid residue is found in multiple mammalian species, which suggests that this missense change does not adversely affect protein function. ClinVar contains an entry for this variant (Variation ID: 1438052). This variant is present in population databases (rs754642880, gnomAD 0.02%). This sequence change replaces aspartic acid, which is acidic and polar, with glycine, which is neutral and non-polar, at codon 133 of the DNAJC21 protein (p.Asp133Gly).

NM_001012339.3(DNAJC21):c.398A>G (p.Asp133Gly)

Gene: DNAJC21 (DnaJ heat shock protein family (Hsp40) member C21; plus strand). Cytogenetic location: 5p13.2.
Variant type: single nucleotide variant.
Coding change: c.398A>G on transcript NM_001012339.3 (MANE Select); coding-DNA position 398, A replaced by G.
Protein change: p.Asp133Gly; replaces aspartic acid 133 with glycine.
Molecular consequence: missense variant.
Genome position (GRCh38, 1-based): chr5:34,936,226, A>G. VCF-style: chr5-34936226-A-G. GRCh37 (hg19) VCF-style: chr5-34936331-A-G.
Other names: c.398A>G, p.Asp133Gly (NM_001348420.2, NM_194283.4); short protein forms D133G.
Identifiers: ClinVar variation 1438052 (VCV001438052.6), dbSNP rs754642880, ClinGen allele CA3228436.